The following is an entry in ClinVar:

NM_002497.4(NEK2):c.549G>T (p.Met183Ile)

Gene: NEK2 (NIMA related kinase 2; minus strand). Cytogenetic location: 1q32.3.
Variant type: single nucleotide variant.
Coding change: c.549G>T on transcript NM_002497.4 (MANE Select); coding-DNA position 549, G replaced by T.
Protein change: p.Met183Ile; replaces methionine 183 with isoleucine.
Molecular consequence: missense variant.
Genome position (GRCh38, 1-based): chr1:211,673,489, C>A on the plus strand (G>T on the coding strand, the complement: NEK2 is on the minus strand). VCF-style: chr1-211673489-C-A. GRCh37 (hg19) VCF-style: chr1-211846831-C-A.
Other names: c.549G>T, p.Met183Ile (NM_001204182.2, NM_001204183.2); short protein forms M183I.
Identifiers: ClinVar variation 1971341 (VCV001971341.5), dbSNP rs755399046, ClinGen allele CA1381670.

ClinVar aggregate classification (germline): Uncertain significance (1 of 4 stars; one submission).

Allele frequency attached by ClinVar (database versions not stated): gnomAD 0.00001; gnomAD exomes 0.00002; TOPMed 0.00002; ExAC 0.00003.

Submission:

Labcorp Genetics (formerly Invitae), Labcorp
Classification: Uncertain significance. Last evaluated: 2022-09-23. Review status: criteria provided, single submitter. Criteria: Invitae Variant Classification Sherloc (09022015). Collection method: clinical testing. Allele origin: germline.
Comment: In summary, the available evidence is currently insufficient to determine the role of this variant in disease. Therefore, it has been classified as a Variant of Uncertain Significance. Algorithms developed to predict the effect of missense changes on protein structure and function are either unavailable or do not agree on the potential impact of this missense change (SIFT: "Deleterious"; PolyPhen-2: "Probably Damaging"; Align-GVGD: "Class C0"). This variant has not been reported in the literature in individuals affected with NEK2-related conditions. This variant is present in population databases (rs755399046, gnomAD 0.004%). This sequence change replaces methionine, which is neutral and non-polar, with isoleucine, which is neutral and non-polar, at codon 183 of the NEK2 protein (p.Met183Ile).